The following is an entry in ClinVar:

ClinVar aggregate classification (germline): Uncertain significance (1 of 4 stars; one submission).

Submission:

Labcorp Genetics (formerly Invitae), Labcorp
Classification: Uncertain significance. Last evaluated: 2023-07-04. Review status: criteria provided, single submitter. Criteria: Invitae Variant Classification Sherloc (09022015). Collection method: clinical testing. Allele origin: germline.
Comment: This sequence change replaces valine, which is neutral and non-polar, with methionine, which is neutral and non-polar, at codon 211 of the ICOSLG protein (p.Val211Met). This variant is present in population databases (no rsID available, gnomAD 0.004%). This variant has not been reported in the literature in individuals affected with ICOSLG-related conditions. Algorithms developed to predict the effect of missense changes on protein structure and function output the following: SIFT: "Not Available"; PolyPhen-2: "Benign"; Align-GVGD: "Not Available". The methionine amino acid residue is found in multiple mammalian species, which suggests that this missense change does not adversely affect protein function. In summary, the available evidence is currently insufficient to determine the role of this variant in disease. Therefore, it has been classified as a Variant of Uncertain Significance.

NM_015259.6(ICOSLG):c.631G>A (p.Val211Met)

Gene: ICOSLG (inducible T cell costimulator ligand; minus strand). Cytogenetic location: 21q22.3.
Variant type: single nucleotide variant.
Coding change: c.631G>A on transcript NM_015259.6 (MANE Select); coding-DNA position 631, G replaced by A.
Protein change: p.Val211Met; replaces valine 211 with methionine.
Molecular consequence: missense variant.
Genome position (GRCh38, 1-based): chr21:44,235,338, C>T on the plus strand (G>A on the coding strand, the complement: ICOSLG is on the minus strand). VCF-style: chr21-44235338-C-T. GRCh37 (hg19) VCF-style: chr21-45655221-C-T.
Other names: c.631G>A, p.Val211Met (NM_001283050.2, NM_001395918.1); c.280G>A, p.Val94Met (NM_001283051.2); c.376G>A, p.Val126Met (NM_001283052.2); c.550G>A, p.Val184Met (NM_001365759.2); short protein forms V184M, V211M, V94M, V126M.
Identifiers: ClinVar variation 2966511 (VCV002966511.2), dbSNP rs1467027997, ClinGen allele CA410614702.